The following is an entry in ClinVar:

NM_021830.5(TWNK):c.1864A>C (p.Asn622His)

Gene: TWNK (twinkle mtDNA helicase; plus strand). Cytogenetic location: 10q24.31.
Variant type: single nucleotide variant.
Coding change: c.1864A>C on transcript NM_021830.5 (MANE Select); coding-DNA position 1864, A replaced by C.
Protein change: p.Asn622His; replaces asparagine 622 with histidine.
Molecular consequence: missense variant. On other transcripts: 3 prime UTR variant (2), non-coding transcript variant (5).
Genome position (GRCh38, 1-based): chr10:100,993,319, A>C. VCF-style: chr10-100993319-A-C. GRCh37 (hg19) VCF-style: chr10-102753076-A-C.
Other names: c.*159A>C (NM_001163812.2, NM_001163814.2); c.502A>C, p.Asn168His (NM_001163813.2, NM_001368275.1); short protein forms N622H, N168H.
Identifiers: ClinVar variation 1938973 (VCV001938973.5), dbSNP rs1300611170, ClinGen allele CA378212475.

ClinVar aggregate classification (germline): Uncertain significance (1 of 4 stars; one submission).

Allele frequency attached by ClinVar (database versions not stated): gnomAD exomes below 0.00001; TOPMed 0.00001.

Submission:

Labcorp Genetics (formerly Invitae), Labcorp
Classification: Uncertain significance. Last evaluated: 2025-04-23. Review status: criteria provided, single submitter. Criteria: Invitae Variant Classification Sherloc (09022015). Collection method: clinical testing. Allele origin: germline.
Comment: This sequence change replaces asparagine, which is neutral and polar, with histidine, which is basic and polar, at codon 622 of the TWNK protein (p.Asn622His). This variant is not present in population databases (gnomAD no frequency). This variant has not been reported in the literature in individuals affected with TWNK-related conditions. ClinVar contains an entry for this variant (Variation ID: 1938973). Invitae Evidence Modeling of protein sequence and biophysical properties (such as structural, functional, and spatial information, amino acid conservation, physicochemical variation, residue mobility, and thermodynamic stability) has been performed for this missense variant. However, the output from this modeling did not meet the statistical confidence thresholds required to predict the impact of this variant on TWNK protein function. In summary, the available evidence is currently insufficient to determine the role of this variant in disease. Therefore, it has been classified as a Variant of Uncertain Significance.